The following is an entry in ClinVar:

ClinVar aggregate classification (germline): Conflicting classifications of pathogenicity. Review status: criteria provided, conflicting classifications (1 of 4 stars). 3 submissions from 3 submitters: Uncertain significance (2); Likely benign (1). Last evaluated 2025-09-12.

Allele frequency attached by ClinVar (database versions not stated): TOPMed 0.00001; ExAC 0.00002; gnomAD 0.00002; ESP Exome Variant Server 0.00008.
gnomAD v4.1: 49 of 1,613,680 alleles (0.003%); highest among the groups gnomAD compares: Non-Finnish European, 0.004%; no homozygotes.

Submissions (3):

Mayo Clinic Laboratories, Mayo Clinic
Classification: Uncertain significance. Last evaluated: 2025-09-12. Review status: criteria provided, single submitter. Criteria: ACMG Guidelines, 2015. Collection method: clinical testing. Allele origin: germline. Observed: 1 variant allele.
Comment: BP4_moderate

CeGaT Center for Human Genetics Tuebingen
Classification: Likely benign. Last evaluated: 2025-01-01. Review status: criteria provided, single submitter. Criteria: CeGaT Center For Human Genetics Tuebingen Variant Classification Criteria Version 2. Collection method: clinical testing. Allele origin: germline. Affected: yes. Observed: 1 variant allele.
Comment: TTN: BP4

Revvity Omics, Revvity
Classification: Uncertain significance. Last evaluated: 2020-03-10. Review status: criteria provided, single submitter. Criteria: ACMG Guidelines, 2015. Collection method: clinical testing. Allele origin: germline.

NM_001267550.2(TTN):c.94064C>T (p.Ala31355Val)

Genes: TTN (titin; minus strand), TTN-AS1 (TTN antisense RNA 1; plus strand). Cytogenetic location: 2q31.2.
Variant type: single nucleotide variant.
Coding change: c.94064C>T on transcript NM_001267550.2 (MANE Select); coding-DNA position 94064, C replaced by T.
Protein change: p.Ala31355Val; replaces alanine 31355 with valine.
Molecular consequence: missense variant.
Genome position (GRCh38, 1-based): chr2:178,547,562, G>A on the plus strand (C>T on the coding strand, the complement: TTN is on the minus strand). VCF-style: chr2-178547562-G-A. GRCh37 (hg19) VCF-style: chr2-179412289-G-A.
Other names: p.Ala29714Val; c.89141C>T, p.Ala29714Val (NM_001256850.1); c.66869C>T, p.Ala22290Val (NM_003319.4); c.86360C>T, p.Ala28787Val (NM_133378.4); c.67244C>T, p.Ala22415Val (NM_133432.3); c.67445C>T, p.Ala22482Val (NM_133437.4); short protein forms A22290V, A22415V, A22482V, A28787V, A29714V, A31355V.
Identifiers: ClinVar variation 2437862 (VCV002437862.17), dbSNP rs370666551, ClinGen allele CA1987204.